The following is an entry in ClinVar:

NM_000540.3(RYR1):c.10207C>T (p.Arg3403Trp)

Gene: RYR1 (ryanodine receptor 1; plus strand). Cytogenetic location: 19q13.2.
Variant type: single nucleotide variant.
Coding change: c.10207C>T on transcript NM_000540.3 (MANE Select); coding-DNA position 10207, C replaced by T.
Protein change: p.Arg3403Trp; replaces arginine 3403 with tryptophan.
Molecular consequence: missense variant.
Genome position (GRCh38, 1-based): chr19:38,519,402, C>T. VCF-style: chr19-38519402-C-T. GRCh37 (hg19) VCF-style: chr19-39010042-C-T.
Other names: c.10207C>T, p.Arg3403Trp (NM_001042723.2); short protein forms R3403W.
Identifiers: ClinVar variation 2040475 (VCV002040475.4), dbSNP rs373251185, ClinGen allele CA052586.

ClinVar aggregate classification (germline): Uncertain significance. Review status: criteria provided, multiple submitters, no conflicts (2 of 4 stars). 2 submissions from 2 submitters: Uncertain significance (2). Last evaluated 2025-07-16.

Conditions:
RYR1-related disorder. Also called: RYR1-related condition; RYR1-related disorders. Identifiers: MedGen CN239331.
Malignant hyperthermia, susceptibility to, 1 (MHS1). Also called: Malignant hyperthermia suceptibility 1; Anesthesia related hyperthermia; Malignant hyperpyrexia; Fulminating hyperpyrexia; Pharmacogenic myopathy; RYR1-Related Malignant Hyperthermia Susceptibility. Identifiers: Orphanet 423, MedGen C2930980, MONDO:0007783, OMIM 145600.

Allele frequency attached by ClinVar (database versions not stated): gnomAD 0.00001; gnomAD exomes 0.00001; TOPMed 0.00002; ExAC 0.00003; ESP Exome Variant Server 0.00008.
gnomAD v4.1: 16 of 1,603,260 alleles (0.001%); highest among the groups gnomAD compares: East Asian, 0.011%; no homozygotes.

Submissions (2):

Labcorp Genetics (formerly Invitae), Labcorp
Classification: Uncertain significance for RYR1-related disorder. Last evaluated: 2025-07-16. Review status: criteria provided, single submitter. Criteria: Invitae Variant Classification Sherloc (09022015). Collection method: clinical testing. Allele origin: germline.
Comment: This sequence change replaces arginine, which is basic and polar, with tryptophan, which is neutral and slightly polar, at codon 3403 of the RYR1 protein (p.Arg3403Trp). This variant is present in population databases (rs373251185, gnomAD 0.02%). This variant has not been reported in the literature in individuals affected with RYR1-related conditions. ClinVar contains an entry for this variant (Variation ID: 2040475). Invitae Evidence Modeling of protein sequence and biophysical properties (such as structural, functional, and spatial information, amino acid conservation, physicochemical variation, residue mobility, and thermodynamic stability) indicates that this missense variant is expected to disrupt RYR1 protein function with a positive predictive value of 80%. In summary, the available evidence is currently insufficient to determine the role of this variant in disease. Therefore, it has been classified as a Variant of Uncertain Significance.

Color Diagnostics, LLC DBA Color Health
Classification: Uncertain significance for Malignant hyperthermia, susceptibility to, 1. Last evaluated: 2024-04-10. Review status: criteria provided, single submitter. Criteria: ACMG Guidelines, 2015. Collection method: clinical testing. Allele origin: germline.
Comment: This missense variant replaces arginine with tryptophan at codon 3403 of the RYR1 protein. Computational prediction suggests that this variant may have deleterious impact on protein structure and function. To our knowledge, functional studies have not been reported for this variant. This variant has not been reported in individuals affected with RYR1-related disorders in the literature. This variant has been identified in 6/261118 chromosomes in the general population by the Genome Aggregation Database (gnomAD). The available evidence is insufficient to determine the role of this variant in disease conclusively. Therefore, this variant is classified as a Variant of Uncertain Significance.